The following is an entry in ClinVar:

NM_003000.3(SDHB):c.765+7G>A

Gene: SDHB (succinate dehydrogenase complex iron sulfur subunit B; minus strand). Cytogenetic location: 1p36.13.
Variant type: single nucleotide variant.
Coding change: c.765+7G>A on transcript NM_003000.3 (MANE Select); 7 bases into the intron after coding-DNA position 765, G replaced by A.
Molecular consequence: intron variant.
Genome position (GRCh38, 1-based): chr1:17,022,601, C>T on the plus strand (G>A on the coding strand, the complement: SDHB is on the minus strand). VCF-style: chr1-17022601-C-T. GRCh37 (hg19) VCF-style: chr1-17349096-C-T.
Other names: c.711+7G>A (NM_001407361.1).
Identifiers: ClinVar variation 3904565 (VCV003904565.1).

ClinVar aggregate classification (germline): Likely benign (1 of 4 stars; one submission).

Conditions:
Pheochromocytoma/paraganglioma syndrome 4. Also called: CAROTID BODY TUMORS AND MULTIPLE EXTRAADRENAL PHEOCHROMOCYTOMAS; PARAGANGLIOMA, FAMILIAL MALIGNANT; PARAGANGLIOMAS, HEREDITARY EXTRAADRENAL; PHEOCHROMOCYTOMA, FAMILIAL EXTRAADRENAL; Paragangliomas 4; SDHB-Related Hereditary Paraganglioma-Pheochromocytoma Syndrome (Paragangliomas 4). Identifiers: Orphanet 29072, MedGen C1861848, MONDO:0007273, OMIM 115310.

Submission:

Myriad Genetics, Inc.
Classification: Likely benign for Pheochromocytoma/paraganglioma syndrome 4. Last evaluated: 2025-03-13. Review status: criteria provided, single submitter. Criteria: Myriad Autosomal Dominant, Autosomal Recessive and X-Linked Classification Criteria (2023). Collection method: clinical testing. Allele origin: unknown.
Comment: This variant is considered likely benign. This variant is intronic and is not expected to impact mRNA splicing.